The following is an entry in ClinVar:

ClinVar aggregate classification (germline): Benign. Review status: criteria provided, multiple submitters, no conflicts (2 of 4 stars). 9 submissions from 9 submitters: Benign (8). 1 of the submissions does not count toward it. Last evaluated 2026-02-04.

Conditions:
Mitochondrial DNA depletion syndrome 14B (cardioencephalomyopathic type). Also called: Mitochondrial DNA depletion syndrome 14 (encephalocardiomyopathic type); Mitochondrial DNA depletion syndrome 14 (cardioencephalomyopathic type). Identifiers: MedGen C6065890, MONDO:0014820, OMIM 616896.
Autosomal dominant optic atrophy classic form (OPA1). Also called: KJER-TYPE OPTIC ATROPHY; OPTIC ATROPHY, JUVENILE; Optic Atrophy Type 1. Identifiers: Orphanet 98673, MedGen C0338508, MONDO:0008134, OMIM 165500.

Allele frequency attached by ClinVar (database versions not stated): gnomAD exomes 0.02563; ExAC 0.02669; 1000 Genomes Project 0.02736; TOPMed 0.02958; 1000 Genomes Project 30x 0.03014; gnomAD 0.03112 and 0.03184; ESP Exome Variant Server 0.03191.
gnomAD v4.1: 46,481 of 1,611,292 alleles (2.9%); highest among the groups gnomAD compares: African/African-American, 3.9%; 780 homozygotes.

Submissions (9):

Labcorp Genetics (formerly Invitae), Labcorp
Classification: Benign. Last evaluated: 2026-02-04. Review status: criteria provided, single submitter. Criteria: Invitae Variant Classification Sherloc (09022015). Collection method: clinical testing. Allele origin: germline.

Molecular Genetics, Royal Melbourne Hospital
Classification: Benign for Mitochondrial DNA depletion syndrome 14B (cardioencephalomyopathic type). Last evaluated: 2023-05-04. Review status: criteria provided, single submitter. Criteria: ACMG Guidelines, 2015. Collection method: clinical testing. Allele origin: germline. Affected: yes.
Comment: African/African American population allele frequency is 3.549% (rs78767626, 951/24904 alleles, 15 homozygotes in gnomAD v2.1). Based on the classification scheme RMH Modified ACMG/AMP Guidelines v1.2.1, this variant is classified as BENIGN. Following criteria are met: BA1

Illumina Laboratory Services, Illumina
Classification: Benign for Autosomal dominant optic atrophy classic form. Last evaluated: 2018-01-13. Review status: criteria provided, single submitter. Criteria: ICSL Variant Classification Criteria 13 December 2019. Collection method: clinical testing. Allele origin: germline.
Comment: This variant was observed in the ICSL laboratory as part of a predisposition screen in an ostensibly healthy population. It had not been previously curated by ICSL or reported in the Human Gene Mutation Database (HGMD: prior to June 1st, 2018), and was therefore a candidate for classification through an automated scoring system. Utilizing variant allele frequency, disease prevalence and penetrance estimates, and inheritance mode, an automated score was calculated to assess if this variant is too frequent to cause the disease. Based on the score and internal cut-off values, a variant classified as benign is not then subjected to further curation. The score for this variant resulted in a classification of benign for this disease.

Athena Diagnostics
Classification: Benign. Last evaluated: 2017-08-01. Review status: criteria provided, single submitter. Criteria: Athena Diagnostics Criteria. Collection method: clinical testing. Allele origin: germline.

Eurofins Ntd Llc (ga)
Classification: Benign. Last evaluated: 2016-04-06. Review status: criteria provided, single submitter. Criteria: EGL Classification Definitions 2015. Collection method: clinical testing. Allele origin: germline. Observed: 22 variant alleles, 20 heterozygotes, 2 homozygotes.

GeneDx
Classification: Benign. Last evaluated: 2011-11-29. Review status: criteria provided, single submitter. Criteria: GeneDx Variant Classification (06012015). Collection method: clinical testing. Allele origin: germline. Affected: yes.
Comment: This variant is considered likely benign or benign based on one or more of the following criteria: it is a conservative change, it occurs at a poorly conserved position in the protein, it is predicted to be benign by multiple in silico algorithms, and/or has population frequency not consistent with disease.

Breakthrough Genomics
Classification: Benign. Review status: criteria provided, single submitter. Criteria: ACMG Guidelines, 2015. Collection method: not provided. Allele origin: germline. Inheritance: Autosomal recessive inheritance. Affected: yes.

PreventionGenetics, part of Exact Sciences
Classification: Benign. Review status: criteria provided, single submitter. Criteria: ACMG Guidelines, 2015. Collection method: clinical testing. Allele origin: germline.

Mayo Clinic Laboratories, Mayo Clinic
Classification: Benign. Last evaluated: 2016-02-23. Review status: no assertion criteria provided. Collection method: clinical testing. Allele origin: unknown. Not counted in ClinVar's aggregate classification.

Literature cited by the submitters: PubMed 19581274 (cited by Athena Diagnostics); PubMed 11440989 (cited by Athena Diagnostics); PubMed 16785854 (cited by Athena Diagnostics); PubMed 11440988 (cited by Athena Diagnostics).

NM_130837.3(OPA1):c.1773A>C (p.Ala591=)

Genes: OPA1 (OPA1 mitochondrial dynamin like GTPase; plus strand), LOC126806913 (BRD4-independent group 4 enhancer GRCh37_chr3:193364377-193365576; plus strand). Cytogenetic location: 3q29.
Variant type: single nucleotide variant.
Coding change: c.1773A>C on transcript NM_130837.3 (MANE Select); coding-DNA position 1773, A replaced by C.
Protein change: p.Ala591=; no amino-acid change (alanine 591 retained).
Molecular consequence: synonymous variant.
Genome position (GRCh38, 1-based): chr3:193,647,083, A>C. VCF-style: chr3-193647083-A-C. GRCh37 (hg19) VCF-style: chr3-193364872-A-C.
Other names: p.A536A:GCA>GCC; c.1239A>C, p.Ala413= (NM_001354663.2); c.1236A>C, p.Ala412= (NM_001354664.2); c.1608A>C, p.Ala536= (NM_015560.3); c.1500A>C, p.Ala500= (NM_130831.3); c.1554A>C, p.Ala518= (NM_130832.3); c.1611A>C, p.Ala537= (NM_130833.3); c.1662A>C, p.Ala554= (NM_130834.3); and 2 more.
Identifiers: ClinVar variation 95711 (VCV000095711.20), dbSNP rs78767626, ClinGen allele CA285701.